The following is an entry in ClinVar:

ClinVar aggregate classification (germline): Uncertain significance (1 of 4 stars; one submission).

Conditions:
Hereditary cancer-predisposing syndrome. Also called: Neoplastic Syndromes, Hereditary; Hereditary Cancer Syndrome; Tumor predisposition; Hereditary neoplastic syndrome. Identifiers: Orphanet 140162, MedGen C0027672, MeSH D009386, MONDO:0015356.

Submission:

Ambry Genetics
Classification: Uncertain significance for Hereditary cancer-predisposing syndrome. Last evaluated: 2022-11-23. Review status: criteria provided, single submitter. Criteria: Ambry Variant Classification Scheme 2023. Collection method: clinical testing. Allele origin: germline.
Comment: The p.Q345P variant (also known as c.1034A>C), located in coding exon 11 of the POLE gene, results from an A to C substitution at nucleotide position 1034. The glutamine at codon 345 is replaced by proline, an amino acid with similar properties. This amino acid position is conserved. In addition, the in silico prediction for this alteration is inconclusive. Since supporting evidence is limited at this time, the clinical significance of this alteration remains unclear.

NM_006231.4(POLE):c.1034A>C (p.Gln345Pro)

Gene: POLE (DNA polymerase epsilon, catalytic subunit; minus strand). Cytogenetic location: 12q24.33.
Variant type: single nucleotide variant.
Coding change: c.1034A>C on transcript NM_006231.4 (MANE Select); coding-DNA position 1034, A replaced by C.
Protein change: p.Gln345Pro; replaces glutamine 345 with proline.
Molecular consequence: missense variant.
Genome position (GRCh38, 1-based): chr12:132,675,807, T>G on the plus strand (A>C on the coding strand, the complement: POLE is on the minus strand). VCF-style: chr12-132675807-T-G. GRCh37 (hg19) VCF-style: chr12-133252393-T-G.
Other names: short protein forms Q345P.
Identifiers: ClinVar variation 2447919 (VCV002447919.2), dbSNP rs2542163212, ClinGen allele CA387361820.